The following is an entry in ClinVar:

ClinVar aggregate classification (germline): Likely benign. Review status: criteria provided, multiple submitters, no conflicts (2 of 4 stars). 4 submissions from 4 submitters: Likely benign (4). Last evaluated 2025-10-22.

Conditions:
Familial thoracic aortic aneurysm and aortic dissection (TAAD). Also called: Thoracic aortic aneurysms and dissections. Identifiers: Orphanet 91387, MedGen C4707243, MONDO:0019625.
Marfan syndrome (MFS). Also called: Marfan syndrome, classic; Marfan syndrome type 1; Marfan's syndrome; FBN1-Related Marfan Syndrome; MARFAN SYNDROME, TYPE I. Identifiers: Orphanet 284963, Orphanet 558, MedGen C0024796, MONDO:0007947, OMIM 154700.

Allele frequency attached by ClinVar (database versions not stated): ExAC 0.00001; gnomAD exomes 0.00001; gnomAD 0.00001; TOPMed 0.00001.
gnomAD v4.1: 15 of 1,614,064 alleles (0.00093%); highest among the groups gnomAD compares: Non-Finnish European, 0.0012%; no homozygotes.

Submissions (4):

Labcorp Genetics (formerly Invitae), Labcorp
Classification: Likely benign for Marfan syndrome; Familial thoracic aortic aneurysm and aortic dissection. Last evaluated: 2025-10-22. Review status: criteria provided, single submitter. Criteria: Invitae Variant Classification Sherloc (09022015). Collection method: clinical testing. Allele origin: germline.

Ambry Genetics
Classification: Likely benign for Familial thoracic aortic aneurysm and aortic dissection. Last evaluated: 2025-07-13. Review status: criteria provided, single submitter. Criteria: Ambry Variant Classification Scheme 2023. Collection method: clinical testing. Allele origin: germline.

All of Us Research Program, National Institutes of Health
Classification: Likely benign for Marfan syndrome. Last evaluated: 2023-12-01. Review status: criteria provided, single submitter. Criteria: ACMG Guidelines, 2015. Collection method: clinical testing. Allele origin: germline. Inheritance: Autosomal dominant inheritance. Observed: 3 variant alleles, 3 heterozygotes.
Comment: This study involves interpretation of variants in research participants for the purpose of population health screening. Participant phenotype was not available at the time of variant classification. Additional details can be found in publication PMID: 35346344, PMCID: PMC8962531

Color Diagnostics, LLC DBA Color Health
Classification: Likely benign for Familial thoracic aortic aneurysm and aortic dissection. Last evaluated: 2018-12-03. Review status: criteria provided, single submitter. Criteria: ACMG Guidelines, 2015. Collection method: clinical testing. Allele origin: germline.

NM_000138.5(FBN1):c.4218T>C (p.Asp1406=)

Genes: FBN1 (fibrillin 1; minus strand), LOC126862124 (CDK7 strongly-dependent group 2 enhancer GRCh37_chr15:48764566-48765765; plus strand). Cytogenetic location: 15q21.1.
Variant type: single nucleotide variant.
Coding change: c.4218T>C on transcript NM_000138.5 (MANE Select); coding-DNA position 4218, T replaced by C.
Protein change: p.Asp1406=; no amino-acid change (aspartic acid 1406 retained).
Molecular consequence: synonymous variant.
Genome position (GRCh38, 1-based): chr15:48,472,669, A>G on the plus strand (T>C on the coding strand, the complement: FBN1 is on the minus strand). VCF-style: chr15-48472669-A-G. GRCh37 (hg19) VCF-style: chr15-48764866-A-G.
Identifiers: ClinVar variation 918949 (VCV000918949.13), dbSNP rs759712586, ClinGen allele CA052337.